The following is an entry in ClinVar:

ClinVar aggregate classification (germline): Likely benign (1 of 4 stars; one submission).

Allele frequency attached by ClinVar (database versions not stated): 1000 Genomes Project 0.00240; 1000 Genomes Project 30x 0.00265; gnomAD 0.00410; TOPMed 0.00434.
gnomAD v4.1: 1,150 of 1,586,194 alleles (0.073%); highest among the groups gnomAD compares: African/African-American, 1.4%; 8 homozygotes.

Submission:

GeneDx
Classification: Likely benign. Last evaluated: 2018-07-07. Review status: criteria provided, single submitter. Criteria: GeneDx Variant Classification Process June 2021. Collection method: clinical testing. Allele origin: germline. Affected: yes.
Comment: See Variant Classification Assertion Criteria.

NM_000215.4(JAK3):c.1914+77G>C

Gene: JAK3 (Janus kinase 3; minus strand). Cytogenetic location: 19p13.11.
Variant type: single nucleotide variant.
Coding change: c.1914+77G>C on transcript NM_000215.4 (MANE Select); 77 bases into the intron after coding-DNA position 1914, G replaced by C.
Molecular consequence: intron variant.
Genome position (GRCh38, 1-based): chr19:17,835,847, C>G on the plus strand (G>C on the coding strand, the complement: JAK3 is on the minus strand). VCF-style: chr19-17835847-C-G. GRCh37 (hg19) VCF-style: chr19-17946656-C-G.
Identifiers: ClinVar variation 1706845 (VCV001706845.2), dbSNP rs114041869, ClinGen allele CA306130751.